The following is an entry in ClinVar:

ClinVar aggregate classification (germline): Likely benign (1 of 4 stars; one submission).

Allele frequency attached by ClinVar (database versions not stated): gnomAD exomes 0.00002; ExAC 0.00004; gnomAD 0.00005; TOPMed 0.00005.
gnomAD v4.1: 45 of 1,613,104 alleles (0.0028%); highest among the groups gnomAD compares: Middle Eastern, 0.099%; no homozygotes.

Submission:

CeGaT Center for Human Genetics Tuebingen
Classification: Likely benign. Last evaluated: 2022-07-01. Review status: criteria provided, single submitter. Criteria: CeGaT Center For Human Genetics Tuebingen Variant Classification Criteria Version 2. Collection method: clinical testing. Allele origin: germline. Affected: yes. Observed: 1 variant allele.
Comment: GRIA2: BP4

NM_001083619.3(GRIA2):c.469+8A>G

Gene: GRIA2 (glutamate ionotropic receptor AMPA type subunit 2; plus strand). Cytogenetic location: 4q32.1.
Variant type: single nucleotide variant.
Coding change: c.469+8A>G on transcript NM_001083619.3 (MANE Select); 8 bases into the intron after coding-DNA position 469, A replaced by G.
Molecular consequence: intron variant.
Genome position (GRCh38, 1-based): chr4:157,303,799, A>G. VCF-style: chr4-157303799-A-G. GRCh37 (hg19) VCF-style: chr4-158224951-A-G.
Other names: c.328+8A>G (NM_001379001.3, NM_001083620.3, NM_001379000.3); c.469+8A>G (NM_000826.6).
Identifiers: ClinVar variation 2655154 (VCV002655154.24), dbSNP rs749496804, ClinGen allele CA3120159.